The following is an entry in ClinVar:

ClinVar aggregate classification (germline): Benign. Review status: criteria provided, multiple submitters, no conflicts (2 of 4 stars). 7 submissions from 3 submitters: Benign (7). Last evaluated 2021-07-22.

Conditions:
Otospondylomegaepiphyseal dysplasia, autosomal recessive (OSMEDB). Also called: CHONDRODYSTROPHY WITH SENSORINEURAL DEAFNESS; Insley-Astley syndrome. Identifiers: Orphanet 1427, MedGen CN034493, MONDO:0044206, OMIM 215150.
Autosomal dominant nonsyndromic hearing loss 13. Identifiers: Orphanet 90635, MedGen C1866095, MONDO:0011159, OMIM 601868.
Autosomal recessive nonsyndromic hearing loss 53. Identifiers: Orphanet 90636, MedGen C1864746, MONDO:0012333, OMIM 609706.
Otospondylomegaepiphyseal dysplasia, autosomal dominant (OSMEDA). Also called: Stickler syndrome, type 3; COL11A2-Related Stickler Syndrome; Pierre Robin syndrome with fetal chondrodysplasia. Identifiers: Orphanet 166100, Orphanet 3450, MedGen C1848488, MONDO:0008490, OMIM 184840.
Fibrochondrogenesis 2 (FBCG2). Identifiers: Orphanet 2021, MedGen C3281128, MONDO:0013795, OMIM 614524.

Allele frequency attached by ClinVar (database versions not stated): ESP Exome Variant Server 0.53499; TOPMed 0.59562; 1000 Genomes Project 0.64517; 1000 Genomes Project 30x 0.64928.
gnomAD v4.1: 912,353 of 1,606,098 alleles (57%); highest among the groups gnomAD compares: East Asian, 83%; 263,211 homozygotes.

Submissions (7):

Genome-Nilou Lab
Classification: Benign for Autosomal dominant nonsyndromic hearing loss 13. Last evaluated: 2021-07-22. Review status: criteria provided, single submitter. Criteria: ACMG Guidelines, 2015. Collection method: clinical testing. Allele origin: germline. Affected: no.

Genome-Nilou Lab
Classification: Benign for Autosomal recessive nonsyndromic hearing loss 53. Last evaluated: 2021-07-22. Review status: criteria provided, single submitter. Criteria: ACMG Guidelines, 2015. Collection method: clinical testing. Allele origin: germline. Affected: no.

Genome-Nilou Lab
Classification: Benign for Fibrochondrogenesis 2. Last evaluated: 2021-07-22. Review status: criteria provided, single submitter. Criteria: ACMG Guidelines, 2015. Collection method: clinical testing. Allele origin: germline. Affected: no.

Genome-Nilou Lab
Classification: Benign for Otospondylomegaepiphyseal dysplasia, autosomal dominant. Last evaluated: 2021-07-22. Review status: criteria provided, single submitter. Criteria: ACMG Guidelines, 2015. Collection method: clinical testing. Allele origin: germline. Affected: no.

Genome-Nilou Lab
Classification: Benign for Otospondylomegaepiphyseal dysplasia, autosomal recessive. Last evaluated: 2021-07-22. Review status: criteria provided, single submitter. Criteria: ACMG Guidelines, 2015. Collection method: clinical testing. Allele origin: germline. Affected: no.

GeneDx
Classification: Benign. Last evaluated: 2018-06-13. Review status: criteria provided, single submitter. Criteria: GeneDx Variant Classification (06012015). Collection method: clinical testing. Allele origin: germline. Affected: yes.
Comment: This variant is considered likely benign or benign based on one or more of the following criteria: it is a conservative change, it occurs at a poorly conserved position in the protein, it is predicted to be benign by multiple in silico algorithms, and/or has population frequency not consistent with disease.

PreventionGenetics, part of Exact Sciences
Classification: Benign. Review status: criteria provided, single submitter. Criteria: ACMG Guidelines, 2015. Collection method: clinical testing. Allele origin: germline.

NM_080680.3(COL11A2):c.2682+26A>C

Gene: COL11A2 (collagen type XI alpha 2 chain; minus strand). Cytogenetic location: 6p21.32.
Variant type: single nucleotide variant.
Coding change: c.2682+26A>C on transcript NM_080680.3 (MANE Select); 26 bases into the intron after coding-DNA position 2682, A replaced by C.
Molecular consequence: intron variant.
Genome position (GRCh38, 1-based): chr6:33,173,476, T>G on the plus strand (A>C on the coding strand, the complement: COL11A2 is on the minus strand). VCF-style: chr6-33173476-T-G. GRCh37 (hg19) VCF-style: chr6-33141253-T-G.
Other names: c.2361+26A>C (NM_080679.3); c.2424+26A>C (NM_080681.3).
Identifiers: ClinVar variation 262310 (VCV000262310.5), dbSNP rs9277932, ClinGen allele CA3750773.
Genomic context (GRCh38, chr6:33,173,476, plus strand): 5'-GTTGTCAGGTGAACTCTCAGCTGGAAAGCAGGTAGGGAAGAAGGACTCAGAGAAGCGAGG[T>G]GGGTCAGAGCTCGGGGTCAACTTACCGGGGGTCCTTTCGGTCCAGGAAACCCGTTGGGAC-3'